The following is an entry in ClinVar:

NM_018139.3(DNAAF2):c.1588G>A (p.Asp530Asn)

Gene: DNAAF2 (dynein axonemal assembly factor 2; minus strand). Cytogenetic location: 14q21.3.
Variant type: single nucleotide variant.
Coding change: c.1588G>A on transcript NM_018139.3 (MANE Select); coding-DNA position 1588, G replaced by A.
Protein change: p.Asp530Asn; replaces aspartic acid 530 with asparagine.
Molecular consequence: missense variant. On other transcripts: 5 prime UTR variant (1).
Genome position (GRCh38, 1-based): chr14:49,633,562, C>T on the plus strand (G>A on the coding strand, the complement: DNAAF2 is on the minus strand). VCF-style: chr14-49633562-C-T. GRCh37 (hg19) VCF-style: chr14-50100280-C-T.
Other names: c.1588G>A (NM_018139.2); c.1588G>A, p.Asp530Asn (NM_001083908.2); c.-284G>A (NM_001378453.1); short protein forms D530N.
Identifiers: ClinVar variation 1423562 (VCV001423562.6), dbSNP rs146272677, ClinGen allele CA389626641.

ClinVar aggregate classification (germline): Uncertain significance. Review status: criteria provided, multiple submitters, no conflicts (2 of 4 stars). 2 submissions from 2 submitters: Uncertain significance (2). Last evaluated 2024-03-16.

Conditions:
Primary ciliary dyskinesia. Also called: Ciliary dyskinesia. Identifiers: Orphanet 244, MedGen C0008780, MONDO:0016575, HP:0012265.

Submissions (2):

Ambry Genetics
Classification: Uncertain significance for Primary ciliary dyskinesia. Last evaluated: 2024-03-16. Review status: criteria provided, single submitter. Criteria: Ambry Variant Classification Scheme 2023. Collection method: clinical testing. Allele origin: germline.

Labcorp Genetics (formerly Invitae), Labcorp
Classification: Uncertain significance for Primary ciliary dyskinesia. Last evaluated: 2021-08-28. Review status: criteria provided, single submitter. Criteria: Invitae Variant Classification Sherloc (09022015). Collection method: clinical testing. Allele origin: germline.
Comment: This sequence change replaces aspartic acid with asparagine at codon 530 of the DNAAF2 protein (p.Asp530Asn). The aspartic acid residue is moderately conserved and there is a small physicochemical difference between aspartic acid and asparagine. This variant is not present in population databases (ExAC no frequency). This variant has not been reported in the literature in individuals affected with DNAAF2-related conditions. Algorithms developed to predict the effect of missense changes on protein structure and function output the following: SIFT: "Tolerated"; PolyPhen-2: "Possibly Damaging"; Align-GVGD: "Class C0". The asparagine amino acid residue is found in multiple mammalian species, which suggests that this missense change does not adversely affect protein function. In summary, the available evidence is currently insufficient to determine the role of this variant in disease. Therefore, it has been classified as a Variant of Uncertain Significance.